The following is an entry in ClinVar:

ClinVar aggregate classification (germline): Likely pathogenic (1 of 4 stars; one submission).

Conditions:
Hearing loss, autosomal recessive 121. Also called: Deafness, autosomal recessive 121. Identifiers: MedGen C5882709, MONDO:0957825, OMIM 620551.

Submission:

Laboratory of Prof. Karen Avraham, Tel Aviv University
Classification: Likely pathogenic for Hearing loss, autosomal recessive 121. Last evaluated: 2026-01-13. Review status: criteria provided, single submitter. Criteria: ACMG Guidelines, 2015. Collection method: research. Allele origin: germline. Inheritance: Autosomal recessive inheritance. Affected: yes. Observed: 1 homozygote.
Comment: The variant is not found in gnomAD and is predicted to affect splicing. Variants in this gene are known to be involved in recessive SNHL (PMID: 37814107, 38332368, 39760840, 35938679).

Literature cited by the submitters: PubMed 37814107; PubMed 38332368; PubMed 39760840; PubMed 35938679.

NM_153002.3(GPR156):c.474+1del

Gene: GPR156 (G protein-coupled receptor 156; minus strand). Cytogenetic location: 3q13.33.
Variant type: Deletion.
Coding change: c.474+1del on transcript NM_153002.3 (MANE Select); the canonical splice donor site of the intron after coding-DNA position 474, one base deleted (G; older notation c.474+1delG).
Molecular consequence: splice donor variant.
Genome position (GRCh38, 1-based): chr3:120,192,938, C deleted on the plus strand (G on the coding strand, the reverse complement: GPR156 is on the minus strand); the first of 2 consecutive C bases (chr3:120,192,938-120,192,939); deleting either gives the same sequence. VCF-style (leftmost placement, unchanged base first): chr3-120192937-AC-A. GRCh37 (hg19) VCF-style: chr3-119911784-AC-A.
Other names: c.474+1del (NM_001168271.2).
Identifiers: ClinVar variation 4685463 (VCV004685463.1).